The following is an entry in ClinVar:

NM_025103.4(IFT74):c.1054+7400A>C

Gene: IFT74 (intraflagellar transport 74; plus strand). Cytogenetic location: 9p21.2.
Variant type: single nucleotide variant.
Coding change: c.1054+7400A>C on transcript NM_025103.4 (MANE Select); 7400 bases into the intron after coding-DNA position 1054, A replaced by C.
Molecular consequence: intron variant. On other transcripts: missense variant (1).
Genome position (GRCh38, 1-based): chr9:27,036,504, A>C. VCF-style: chr9-27036504-A-C. GRCh37 (hg19) VCF-style: chr9-27036502-A-C.
Other names: c.1109A>C, p.Lys370Thr (NM_001099224.3); c.1054+7400A>C (NM_001099223.3, NM_001099222.3, NM_001349928.2); short protein forms K370T.
Identifiers: ClinVar variation 3058441 (VCV003058441.2), dbSNP rs1285208690, ClinGen allele CA373123024.

ClinVar aggregate classification (germline): Uncertain significance (0 of 4 stars; one submission).

Conditions:
IFT74-related disorder. Also called: IFT74-related condition; IFT74-Related Disorders.

Allele frequency attached by ClinVar (database versions not stated): gnomAD exomes below 0.00001; gnomAD 0.00005.
gnomAD v4.1: 13 of 1,613,752 alleles (0.00081%); highest among the groups gnomAD compares: African/African-American, 0.016%; no homozygotes.

Submission:

PreventionGenetics, part of Exact Sciences
Classification: Uncertain significance for IFT74-related condition. Last evaluated: 2024-02-13. Review status: no assertion criteria provided. Collection method: clinical testing. Allele origin: germline.
Comment: The IFT74 c.1109A>C variant is predicted to result in the amino acid substitution p.Lys370Thr. Of note, this variant is also referred to as c.1054+7400A>C with alternate isoform NM_025103. To our knowledge, this variant has not been reported in the literature. This variant is reported in 0.019% of alleles in individuals of African descent in gnomAD. At this time, the clinical significance of this variant is uncertain due to the absence of conclusive functional and genetic evidence.